The following is an entry in ClinVar:

ClinVar aggregate classification (germline): Uncertain significance (1 of 4 stars; one submission).

Conditions:
NIK deficiency. Also called: Primary immunodeficiency with multifaceted aberrant lymphoid immunity. Identifiers: Orphanet 447731, MedGen C5680065, MONDO:0018642.

Allele frequency attached by ClinVar (database versions not stated): TOPMed 0.00002; gnomAD 0.00004 and 0.00005; gnomAD exomes 0.00005; ESP Exome Variant Server 0.00008; ExAC 0.00012.
gnomAD v4.1: 63 of 1,608,876 alleles (0.0039%); highest among the groups gnomAD compares: East Asian, 0.018%; no homozygotes.

Submission:

Labcorp Genetics (formerly Invitae), Labcorp
Classification: Uncertain significance for NIK deficiency. Last evaluated: 2022-10-17. Review status: criteria provided, single submitter. Criteria: Invitae Variant Classification Sherloc (09022015). Collection method: clinical testing. Allele origin: germline.
Comment: This sequence change replaces arginine with glutamine at codon 761 of the MAP3K14 protein (p.Arg761Gln). The arginine residue is highly conserved and there is a small physicochemical difference between arginine and glutamine. This variant is present in population databases (rs371521847, gnomAD 0.04%). This variant has not been reported in the literature in individuals affected with MAP3K14-related conditions. ClinVar contains an entry for this variant (Variation ID: 946492). Experimental studies and prediction algorithms are not available or were not evaluated, and the functional significance of this variant is currently unknown. In summary, the available evidence is currently insufficient to determine the role of this variant in disease. Therefore, it has been classified as a Variant of Uncertain Significance.

NM_003954.5(MAP3K14):c.2282G>A (p.Arg761Gln)

Genes: MAP3K14 (mitogen-activated protein kinase kinase kinase 14; minus strand), MAP3K14-AS1 (MAP3K14 antisense RNA 1; plus strand), LOC126862575 (CDK7 strongly-dependent group 2 enhancer GRCh37_chr17:43344006-43345205; plus strand). Cytogenetic location: 17q21.31.
Variant type: single nucleotide variant.
Coding change: c.2282G>A on transcript NM_003954.5 (MANE Select); coding-DNA position 2282, G replaced by A.
Protein change: p.Arg761Gln; replaces arginine 761 with glutamine.
Molecular consequence: missense variant.
Genome position (GRCh38, 1-based): chr17:45,267,450, C>T on the plus strand (G>A on the coding strand, the complement: MAP3K14 is on the minus strand). VCF-style: chr17-45267450-C-T. GRCh37 (hg19) VCF-style: chr17-43344817-C-T.
Other names: short protein forms R761Q.
Identifiers: ClinVar variation 946492 (VCV000946492.5), dbSNP rs371521847, ClinGen allele CA8613923.